The following is an entry in ClinVar:

NM_000143.4(FH):c.757C>T (p.Gln253Ter)

Gene: FH (fumarate hydratase; minus strand). Cytogenetic location: 1q43.
Variant type: single nucleotide variant.
Coding change: c.757C>T on transcript NM_000143.4 (MANE Select); coding-DNA position 757, C replaced by T.
Protein change: p.Gln253Ter; replaces glutamine 253 with a stop codon.
Molecular consequence: nonsense.
Genome position (GRCh38, 1-based): chr1:241,506,150, G>A on the plus strand (C>T on the coding strand, the complement: FH is on the minus strand). VCF-style: chr1-241506150-G-A. GRCh37 (hg19) VCF-style: chr1-241669450-G-A.
Other names: short protein forms Q253*.
Identifiers: ClinVar variation 429177 (VCV000429177.7), dbSNP rs1131691239, ClinGen allele CA345439087.
Genomic context (GRCh38, chr1:241,506,150, plus strand): 5'-CGAGCTCATAGATTCTTGGCATGGCAGCTTTTATTCTTGTCATTGCATATTTTACTTGTT[G>A]AACATAACCACTAAATTCCTGAAAAGAAAAGAAAATTAAGGTAAGAATAAGTAATTCCTA-3'

ClinVar aggregate classification (germline): Pathogenic. Review status: criteria provided, multiple submitters, no conflicts (2 of 4 stars). 2 submissions from 2 submitters: Pathogenic (2). Last evaluated 2025-09-23.

Conditions:
Hereditary cancer-predisposing syndrome. Also called: Hereditary Cancer Syndrome; Neoplastic Syndromes, Hereditary; Hereditary neoplastic syndrome; Tumor predisposition. Identifiers: Orphanet 140162, MedGen C0027672, MeSH D009386, MONDO:0015356.

Submissions (2):

Labcorp Genetics (formerly Invitae), Labcorp
Classification: Pathogenic. Last evaluated: 2025-09-23. Review status: criteria provided, single submitter. Criteria: Invitae Variant Classification Sherloc (09022015). Collection method: clinical testing. Allele origin: germline.
Comment: This sequence change creates a premature translational stop signal (p.Gln253*) in the FH gene. It is expected to result in an absent or disrupted protein product. Loss-of-function variants in FH are known to be pathogenic (PMID: 11865300, 21398687). This variant is not present in population databases (gnomAD no frequency). This variant has not been reported in the literature in individuals affected with FH-related conditions. ClinVar contains an entry for this variant (Variation ID: 429177). For these reasons, this variant has been classified as Pathogenic.

Ambry Genetics
Classification: Pathogenic for Hereditary cancer-predisposing syndrome. Last evaluated: 2015-09-16. Review status: criteria provided, single submitter. Criteria: Ambry Variant Classification Scheme 2023. Collection method: clinical testing. Allele origin: germline.
Comment: The p.Q253* pathogenic mutation (also known as c.757C>T), located in coding exon 6 of the FH gene, results from a C to T substitution at nucleotide position 757. This changes the amino acid from a glutamine to a stop codon within coding exon 6. Since premature stop codons are typically deleterious in nature, this alteration is interpreted as a disease-causing mutation (ACMG Recommendations for Standards for Interpretation and Reporting of Sequence Variations. Revision 2007. Genet Med. 2008;10:294).

Literature cited by the submitters: PubMed 11865300 (cited by Labcorp Genetics (formerly Invitae), Labcorp); PubMed 21398687 (cited by Labcorp Genetics (formerly Invitae), Labcorp).